The following is an entry in ClinVar:

ClinVar aggregate classification (germline): Pathogenic (1 of 4 stars; one submission).

Submission:

Labcorp Genetics (formerly Invitae), Labcorp
Classification: Pathogenic. Last evaluated: 2021-07-19. Review status: criteria provided, single submitter. Criteria: Invitae Variant Classification Sherloc (09022015). Collection method: clinical testing. Allele origin: germline.
Comment: This variant results in the deletion of part of exon 22 and the 3'UTR of the PHEX gene. While this is not anticipated to result in nonsense mediated decay, it is expected to disrupt the last 33 amino acid(s) of the PHEX protein. For these reasons, this variant has been classified as Pathogenic. This variant disrupts a region of the PHEX protein in which other variant(s) (p.Arg747* ) have been determined to be pathogenic (PMID: 9199930, 9768674). This suggests that this is a clinically significant region of the protein, and that variants that disrupt it are likely to be disease-causing. This variant has not been reported in the literature in individuals affected with PHEX-related conditions.

Literature cited by the submitters: PubMed 9199930; PubMed 9768674.

NC_000023.10:g.(?_22265969)_(22266663_?)del

Gene: PHEX (phosphate regulating endopeptidase X-linked; plus strand). Cytogenetic location: Xp22.11.
Variant type: Deletion.
Identifiers: ClinVar variation 1454988 (VCV001454988.4).